The following is an entry in ClinVar:

ClinVar aggregate classification (germline): Conflicting classifications of pathogenicity. Review status: criteria provided, conflicting classifications (1 of 4 stars). 16 submissions from 16 submitters: Uncertain significance (12); Likely benign (2). 2 of the submissions do not count toward it. Last evaluated 2025-12-20.

Conditions:
BRCA2-related cancer predisposition. Identifiers: MedGen CN377758, MONDO:0700269.
BRCA2-related disorder. Also called: BRCA2-related condition; BRCA2-related disorders. Identifiers: MedGen CN239275.
Hereditary cancer-predisposing syndrome. Also called: Neoplastic Syndromes, Hereditary; Hereditary Cancer Syndrome; Hereditary neoplastic syndrome; Tumor predisposition. Identifiers: Orphanet 140162, MedGen C0027672, MeSH D009386, MONDO:0015356.
Hereditary breast ovarian cancer syndrome. Also called: Hereditary breast and ovarian cancer syndrome; Hereditary breast and/or ovarian cancer syndrome; BRCA1- and BRCA2-Associated Hereditary Breast and Ovarian Cancer; Hereditary breast and ovarian cancer; Breast and ovarian cancer; Hereditary breast and ovarian cancer syndrome (HBOC). Identifiers: Orphanet 145, MedGen C0677776, MeSH D061325, MONDO:0003582. Disease mechanism: loss of function.
Breast-ovarian cancer, familial, susceptibility to, 2 (BROVCA2). Also called: BRCA2 Hereditary Breast and Ovarian Cancer. Identifiers: Orphanet 145, MedGen C2675520, MONDO:0012933, OMIM 612555. Disease mechanism: loss of function.

Allele frequency attached by ClinVar (database versions not stated): gnomAD exomes below 0.00001 and 0.00001; ExAC 0.00001; TOPMed 0.00001.
gnomAD v4.1: 16 of 1,613,464 alleles (0.00099%); highest among the groups gnomAD compares: Non-Finnish European, 0.0013%; no homozygotes.

Submissions 1 to 9 of 16:

Labcorp Genetics (formerly Invitae), Labcorp
Classification: Uncertain significance for Hereditary breast ovarian cancer syndrome. Last evaluated: 2025-12-20. Review status: criteria provided, single submitter. Criteria: Invitae Variant Classification Sherloc (09022015). Collection method: clinical testing. Allele origin: germline.
Comment: This sequence change replaces isoleucine, which is neutral and non-polar, with threonine, which is neutral and polar, at codon 1831 of the BRCA2 protein (p.Ile1831Thr). This variant is present in population databases (rs587782007, gnomAD 0.0009%). This missense change has been observed in individual(s) with BRCA2-related conditions (PMID: 27062684, 32438681, 33127389, 34178674, 35150867). ClinVar contains an entry for this variant (Variation ID: 141782). Invitae Evidence Modeling of protein sequence and biophysical properties (such as structural, functional, and spatial information, amino acid conservation, physicochemical variation, residue mobility, and thermodynamic stability) indicates that this missense variant is not expected to disrupt BRCA2 protein function with a negative predictive value of 95%. In summary, the available evidence is currently insufficient to determine the role of this variant in disease. Therefore, it has been classified as a Variant of Uncertain Significance.

Ambry Genetics
Classification: Uncertain significance for Hereditary cancer-predisposing syndrome. Last evaluated: 2025-05-13. Review status: criteria provided, single submitter. Criteria: Ambry Variant Classification Scheme 2023. Collection method: clinical testing. Allele origin: germline.
Comment: The p.I1831T variant (also known as c.5492T>C), located in coding exon 10 of the BRCA2 gene, results from a T to C substitution at nucleotide position 5492. The isoleucine at codon 1831 is replaced by threonine, an amino acid with similar properties. This alteration has been detected in Italian breast/ovarian cancer families, and one individual also carried a pathogenic BRCA1/2 mutation (Azzollini J et al. Eur J Intern Med, 2016 Jul;32:65-71; Santonocito C et al. Cancers (Basel), 2020 May;12). This amino acid position is not well conserved in available vertebrate species. In addition, this alteration is predicted to be tolerated by in silico analysis. Based on the available evidence, the clinical significance of this variant remains unclear.

GeneDx
Classification: Uncertain significance. Last evaluated: 2025-01-17. Review status: criteria provided, single submitter. Criteria: GeneDx Variant Classification Process June 2021. Collection method: clinical testing. Allele origin: germline. Affected: yes.
Comment: Not observed at significant frequency in large population cohorts (gnomAD); In silico analysis supports that this missense variant has a deleterious effect on protein structure/function; Also known as 5720T>C; This variant is associated with the following publications: (PMID: 31131967, 27062684, 32438681, 31409081, 27882345, 28584132, 31911673, 31853058, 33127389, 29884841, 32377563, 34178674)

Molecular Pathology, Peter Maccallum Cancer Centre
Classification: Likely benign for Breast-ovarian cancer, familial, susceptibility to, 2. Last evaluated: 2024-10-31. Review status: criteria provided, single submitter. Criteria: ACMG Guidelines, 2015. Collection method: clinical testing. Allele origin: germline. Inheritance: Autosomal dominant inheritance.

Quest Diagnostics Nichols Institute San Juan Capistrano
Classification: Uncertain significance. Last evaluated: 2024-10-26. Review status: criteria provided, single submitter. Criteria: Quest Diagnostics criteria. Collection method: clinical testing. Allele origin: unknown.
Comment: The BRCA2 c.5492T>C (p.Ile1831Thr) variant has been reported in the published literature in individuals with breast and/or ovarian cancer (PMIDs: 34178674 (2021), 32438681 (2020), 27062684 (2016)), and described to be located in a region of the BRCA2 gene that is tolerant to missense sequence changes (PMID: 31911673 (2020)). The frequency of this variant in the general population, 0.000004 (1/250674 chromosomes (Genome Aggregation Database)), is uninformative in the assessment of its pathogenicity. Analysis of this variant using bioinformatics tools for the prediction of the effect of amino acid changes on protein structure and function yielded predictions that this variant is benign. Based on the available information, we are unable to determine the clinical significance of this variant.

All of Us Research Program, National Institutes of Health
Classification: Uncertain significance for BRCA2-related cancer predisposition. Last evaluated: 2024-03-24. Review status: criteria provided, single submitter. Criteria: ACMG Guidelines, 2015. Collection method: clinical testing. Allele origin: germline. Inheritance: Autosomal dominant inheritance. Observed: 1 variant allele, 1 heterozygote.
Comment: This missense variant replaces isoleucine with threonine at codon 1831 of the BRCA2 protein. Computational prediction is inconclusive regarding the impact of this variant on protein structure and function (internally defined REVEL score threshold 0.5 < inconclusive < 0.7, PMID: 27666373). To our knowledge, functional studies have not been reported for this variant. This variant has been reported in individuals affected with breast or ovarian cancer (PMID: 27062684; DOI: 10.3390/cancers12051286). This variant has been identified in 1/250674 chromosomes in the general population by the Genome Aggregation Database (gnomAD). The available evidence is insufficient to determine the role of this variant in disease conclusively. Therefore, this variant is classified as a Variant of Uncertain Significance.

This study involves interpretation of variants in research participants for the purpose of population health screening. Participant phenotype was not available at the time of variant classification. Additional details can be found in publication PMID: 35346344, PMCID: PMC8962531

Color Diagnostics, LLC DBA Color Health
Classification: Uncertain significance for Hereditary cancer-predisposing syndrome. Last evaluated: 2024-02-22. Review status: criteria provided, single submitter. Criteria: ACMG Guidelines, 2015. Collection method: clinical testing. Allele origin: germline.
Comment: This missense variant replaces isoleucine with threonine at codon 1831 of the BRCA2 protein. Computational prediction suggests that this variant may not impact protein structure and function. To our knowledge, functional studies have not been reported for this variant. This variant has been reported in individuals with a personal or family history of breast and/or ovarian cancer (PMID: 27062684, 31409081, 32438681, 35150867). This variant has been identified in 1/250674 chromosomes in the general population by the Genome Aggregation Database (gnomAD). The available evidence is insufficient to determine the role of this variant in disease conclusively. Therefore, this variant is classified as a Variant of Uncertain Significance.

ARUP Laboratories, Molecular Genetics and Genomics, ARUP Laboratories
Classification: Uncertain significance. Last evaluated: 2023-08-09. Review status: criteria provided, single submitter. Criteria: ARUP Molecular Germline Variant Investigation Process 2024. Collection method: clinical testing. Allele origin: germline.
Comment: The BRCA2 c.5492T>C; p.Ile1831Thr variant (rs587782007) is reported in the literature in individuals affected with breast and/or ovarian cancer (Azzollini 2016, Fanale 2021, Santonocito 2020). This variant is also reported in ClinVar (Variation ID: 141782). The p.Ile1831Thr variant is only observed on one allele in the Genome Aggregation Database, indicating it is not a common polymorphism. Computational analyses are uncertain whether this variant is neutral or deleterious (REVEL: 0.292). Due to limited information, the clinical significance of this variant is uncertain at this time. References: Azzollini J et al. Mutation detection rates associated with specific selection criteria for BRCA1/2 testing in 1854 high-risk families: A monocentric Italian study. Eur J Intern Med. 2016 Jul;32:65-71. PMID: 27062684. Fanale D et al. Prevalence and Spectrum of Germline BRCA1 and BRCA2 Variants of Uncertain Significance in Breast/Ovarian Cancer: Mysterious Signals From the Genome. Front Oncol. 2021 Jun 11;11:682445. PMID: 34178674. Santonocito C et al. Spectrum of Germline BRCA1 and BRCA2 Variants Identified in 2351 Ovarian and Breast Cancer Patients Referring to a Reference Cancer Hospital of Rome. Cancers (Basel). 2020 May 19;12(5):1286. PMID: 32438681.

University of Washington Department of Laboratory Medicine, University of Washington
Classification: Likely benign for Hereditary cancer-predisposing syndrome. Last evaluated: 2023-03-23. Review status: criteria provided, single submitter. Criteria: Dines et al. (Genet Med. 2020). Collection method: curation. Allele origin: germline.
Comment: Missense variant in a coldspot region where missense variants are very unlikely to be pathogenic (PMID:31911673).

BRCA2 exon 11 coldspot. Reclassification based on statistical prior probability.

NM_000059.4(BRCA2):c.5492T>C (p.Ile1831Thr)

Gene: BRCA2 (BRCA2 DNA repair associated; plus strand). Cytogenetic location: 13q13.1.
Variant type: single nucleotide variant.
Coding change: c.5492T>C on transcript NM_000059.4 (MANE Select); coding-DNA position 5492, T replaced by C.
Protein change: p.Ile1831Thr; replaces isoleucine 1831 with threonine.
Molecular consequence: missense variant.
Genome position (GRCh38, 1-based): chr13:32,339,847, T>C. VCF-style: chr13-32339847-T-C. GRCh37 (hg19) VCF-style: chr13-32913984-T-C.
Other names: p.I1831T:ATA>ACA; short protein forms I1831T.
Identifiers: ClinVar variation 141782 (VCV000141782.40), dbSNP rs587782007, ClinGen allele CA022439.